The following is an entry in ClinVar:

ClinVar aggregate classification (germline): Uncertain significance. Review status: criteria provided, multiple submitters, no conflicts (2 of 4 stars). 2 submissions from 2 submitters: Uncertain significance (2). Last evaluated 2023-09-03.

Conditions:
Inborn genetic diseases. Identifiers: MedGen C0950123, MeSH D030342.
Glutamate formiminotransferase deficiency. Also called: Arakawa syndrome 1; Formiminoglutamic aciduria. Identifiers: Orphanet 51208, MedGen C0268609, MONDO:0009240, OMIM 229100.

Allele frequency attached by ClinVar (database versions not stated): ExAC 0.00001; gnomAD exomes 0.00001; TOPMed 0.00002 and 0.00003; gnomAD 0.00003.

Submissions (2):

Labcorp Genetics (formerly Invitae), Labcorp
Classification: Uncertain significance for Glutamate formiminotransferase deficiency. Last evaluated: 2023-09-03. Review status: criteria provided, single submitter. Criteria: Invitae Variant Classification Sherloc (09022015). Collection method: clinical testing. Allele origin: germline.
Comment: This sequence change replaces glutamine, which is neutral and polar, with lysine, which is basic and polar, at codon 17 of the FTCD protein (p.Gln17Lys). This variant is present in population databases (rs776696117, gnomAD 0.002%). This variant has not been reported in the literature in individuals affected with FTCD-related conditions. ClinVar contains an entry for this variant (Variation ID: 2513721). Advanced modeling of protein sequence and biophysical properties (such as structural, functional, and spatial information, amino acid conservation, physicochemical variation, residue mobility, and thermodynamic stability) performed at Invitae indicates that this missense variant is not expected to disrupt FTCD protein function. In summary, the available evidence is currently insufficient to determine the role of this variant in disease. Therefore, it has been classified as a Variant of Uncertain Significance.

Ambry Genetics
Classification: Uncertain significance for Inborn genetic diseases. Last evaluated: 2023-06-13. Review status: criteria provided, single submitter. Criteria: Ambry Variant Classification Scheme 2023. Collection method: clinical testing. Allele origin: germline.

NM_206965.2(FTCD):c.49C>A (p.Gln17Lys)

Gene: FTCD (formimidoyltransferase cyclodeaminase; minus strand). Cytogenetic location: 21q22.3.
Variant type: single nucleotide variant.
Coding change: c.49C>A on transcript NM_206965.2 (MANE Select); coding-DNA position 49, C replaced by A.
Protein change: p.Gln17Lys; replaces glutamine 17 with lysine.
Molecular consequence: missense variant.
Genome position (GRCh38, 1-based): chr21:46,155,475, G>T on the plus strand (C>A on the coding strand, the complement: FTCD is on the minus strand). VCF-style: chr21-46155475-G-T. GRCh37 (hg19) VCF-style: chr21-47575389-G-T.
Other names: c.49C>A, p.Gln17Lys (NM_001320412.2, NM_006657.3); short protein forms Q17K.
Identifiers: ClinVar variation 2513721 (VCV002513721.5), dbSNP rs776696117, ClinGen allele CA10074102.
Genomic context (GRCh38, chr21:46,155,475, plus strand): 5'-GCCACTCAAGCTGCCCCATCAGCCCTAGATGCTTGACCAGCTCCTCGGGCCTCACCTCCT[G>T]GTTCTTCCCCTCCGAAAAGTTGGGGACGCATTCCACCAGCTGGGACATGGCCAGCACCTT-3'
Protein context (NP_996848.1, residues 7-27): CVPNFSEGKN[Gln17Lys]EVIDAISGAI